The following is an entry in ClinVar:

NM_001276270.2(MBD4):c.1003A>C (p.Lys335Gln)

Gene: MBD4 (methyl-CpG binding domain 4, DNA glycosylase; minus strand). Cytogenetic location: 3q21.3.
Variant type: single nucleotide variant.
Coding change: c.1003A>C on transcript NM_001276270.2 (MANE Select); coding-DNA position 1003, A replaced by C.
Protein change: p.Lys335Gln; replaces lysine 335 with glutamine.
Molecular consequence: missense variant. On other transcripts: intron variant (1).
Genome position (GRCh38, 1-based): chr3:129,436,641, T>G on the plus strand (A>C on the coding strand, the complement: MBD4 is on the minus strand). VCF-style: chr3-129436641-T-G. GRCh37 (hg19) VCF-style: chr3-129155484-T-G.
Other names: c.1003A>C, p.Lys335Gln (NM_001276271.2, NM_001276272.2, NM_003925.3); c.247+1167A>C (NM_001276273.2); short protein forms K335Q.
Identifiers: ClinVar variation 3870946 (VCV003870946.1).
Genomic context (GRCh38, chr3:129,436,641, plus strand): 5'-ATTCTAAAAAGGTATCCTCATACTTCTCGTTGTGTTCTGAGTCTTTGGCTGAACAAAATT[T>G]GTTTATGATGCCAGAAGTTTTTTGTTCAGAACAAAAATTTGATCCTGAACTCAATGATCT-3'
Protein context (NP_001263199.1, residues 325-345): SEQKTSGIIN[Lys335Gln]FCSAKDSEHN

ClinVar aggregate classification (germline): Uncertain significance (1 of 4 stars; one submission).

Conditions:
Inborn genetic diseases. Identifiers: MedGen C0950123, MeSH D030342.

gnomAD v4.1: 1 of 1,614,166 alleles (0.000062%); highest among the groups gnomAD compares: South Asian, 0.0011%; no homozygotes.

Submission:

Ambry Genetics
Classification: Uncertain significance for Inborn genetic diseases. Last evaluated: 2025-03-01. Review status: criteria provided, single submitter. Criteria: Ambry Variant Classification Scheme 2023. Collection method: clinical testing. Allele origin: germline.
Comment: The p.K335Q variant (also known as c.1003A>C), located in coding exon 3 of the MBD4 gene, results from an A to C substitution at nucleotide position 1003. The lysine at codon 335 is replaced by glutamine, an amino acid with similar properties. This amino acid position is conserved. In addition, this alteration is predicted to be tolerated by in silico analysis. Based on the available evidence, the clinical significance of this variant remains unclear.